The following is an entry in ClinVar:

NM_000490.5(AVP):c.310T>C (p.Cys104Arg)

Gene: AVP (arginine vasopressin; minus strand). Cytogenetic location: 20p13.
Variant type: single nucleotide variant.
Coding change: c.310T>C on transcript NM_000490.5 (MANE Select); coding-DNA position 310, T replaced by C.
Protein change: p.Cys104Arg; replaces cysteine 104 with arginine.
Molecular consequence: missense variant.
Genome position (GRCh38, 1-based): chr20:3,082,989, A>G on the plus strand (T>C on the coding strand, the complement: AVP is on the minus strand). VCF-style: chr20-3082989-A-G. GRCh37 (hg19) VCF-style: chr20-3063635-A-G.
Other names: short protein forms C104R.
Identifiers: ClinVar variation 5000020 (VCV005000020.1).

ClinVar aggregate classification (germline): Uncertain significance (1 of 4 stars; one submission).

Conditions:
AVP-related disorder. Also called: AVP-related condition.

Submission:

PreventionGenetics, part of Exact Sciences
Classification: Uncertain significance for AVP-related condition. Last evaluated: 2025-03-19. Review status: criteria provided, single submitter. Criteria: ACMG Guidelines, 2015. Collection method: clinical testing. Allele origin: germline.
Comment: The AVP c.310T>C variant is predicted to result in the amino acid substitution p.Cys104Arg. To our knowledge, this variant has not been reported in the literature or in a large population database (gnomAD), indicating this variant is rare. Alternate nucleotide changes impacting this amino acid position (p.Cys104Phe, p.Cys104Gly) have been reported in individuals with autosomal dominant neurohypophyseal diabetes insipidus (Duzenli et al. 2012. PubMed ID: 22644838; Christensen et al. 2004. PubMed ID: 14673472). Although we suspect this variant may be pathogenic, at this time, the clinical significance of this variant is uncertain due to the absence of conclusive functional and genetic evidence.